The following is an entry in ClinVar:

ClinVar aggregate classification (germline): Uncertain significance (1 of 4 stars; one submission).

Conditions:
Pyruvate dehydrogenase E3 deficiency (DLDD). Also called: Lipoamide dehydrogenase deficiency, lactic acidosis due to; Dihydrolipoamide Dehydrogenase Deficiency; Lipoamide dehydrogenase deficiency; Dihydrolipoamide Dehydrogenase (E3) Deficiency; MAPLE SYRUP URINE DISEASE, TYPE III; DLD DEFICIENCY. Identifiers: Orphanet 2394, Orphanet 765, MedGen C5574660, MONDO:0009529, OMIM 246900.

Submission:

Juno Genomics, Hangzhou Juno Genomics, Inc
Classification: Uncertain significance for Pyruvate dehydrogenase E3 deficiency. Review status: criteria provided, single submitter. Criteria: ACMG Guidelines, 2015. Collection method: clinical testing. Allele origin: germline. Affected: yes.
Comment: Absent from controls (or at extremely low frequency if recessive) in Genome Aggregation Database, Exome Sequencing Project, 1000 Genomes Project, or Exome Aggregation Consortium.;Multiple lines of computational evidence support a deleterious effect on the gene or gene product (conservation, evolutionary, splicing impact, etc).;Patient's phenotype or family history is highly specific for a disease with a single genetic etiology.

NM_000108.5(DLD):c.1310G>A (p.Gly437Asp)

Gene: DLD (dihydrolipoamide dehydrogenase; plus strand). Cytogenetic location: 7q31.1.
Variant type: single nucleotide variant.
Coding change: c.1310G>A on transcript NM_000108.5 (MANE Select); coding-DNA position 1310, G replaced by A.
Protein change: p.Gly437Asp; replaces glycine 437 with aspartic acid.
Molecular consequence: missense variant.
Genome position (GRCh38, 1-based): chr7:107,917,997, G>A. VCF-style: chr7-107917997-G-A. GRCh37 (hg19) VCF-style: chr7-107558442-G-A.
Other names: c.1013G>A, p.Gly338Asp (NM_001289750.1); c.1241G>A, p.Gly414Asp (NM_001289751.1); c.1166G>A, p.Gly389Asp (NM_001289752.1); short protein forms G338D, G389D, G414D, G437D.
Identifiers: ClinVar variation 3382305 (VCV003382305.2).